The following is an entry in ClinVar:

NM_001039141.3(TRIOBP):c.1283C>G (p.Pro428Arg)

Gene: TRIOBP (TRIO and F-actin binding protein; plus strand). Cytogenetic location: 22q13.1.
Variant type: single nucleotide variant.
Coding change: c.1283C>G on transcript NM_001039141.3 (MANE Select); coding-DNA position 1283, C replaced by G.
Protein change: p.Pro428Arg; replaces proline 428 with arginine.
Molecular consequence: missense variant.
Genome position (GRCh38, 1-based): chr22:37,723,839, C>G. VCF-style: chr22-37723839-C-G. GRCh37 (hg19) VCF-style: chr22-38119846-C-G.
Other names: short protein forms P428R.
Identifiers: ClinVar variation 285798 (VCV000285798.16), dbSNP rs372134073, ClinGen allele CA10223566.

ClinVar aggregate classification (germline): Conflicting classifications of pathogenicity. Review status: criteria provided, conflicting classifications (1 of 4 stars). 7 submissions from 7 submitters: Uncertain significance (5); Likely benign (2). Last evaluated 2024-12-19.

Conditions:
TRIOBP-related disorder. Also called: TRIOBP-related condition.
Autosomal recessive nonsyndromic hearing loss 28. Identifiers: Orphanet 90636, MedGen C1853276, MONDO:0012355, OMIM 609823.

Allele frequency attached by ClinVar (database versions not stated): gnomAD exomes 0.00003 and 0.00014; ExAC 0.00017; gnomAD 0.00022 and 0.00023; TOPMed 0.00025; 1000 Genomes Project 0.00060.
gnomAD v4.1: 181 of 1,597,144 alleles (0.011%); highest among the groups gnomAD compares: East Asian, 0.11%; 6 homozygotes.

Submissions (7):

PreventionGenetics, part of Exact Sciences
Classification: Likely benign for TRIOBP-related condition. Last evaluated: 2024-12-19. Review status: criteria provided, single submitter. Criteria: ACMG Guidelines, 2015. Collection method: clinical testing. Allele origin: germline.
Comment: This variant is classified as likely benign based on ACMG/AMP sequence variant interpretation guidelines (Richards et al. 2015 PMID: 25741868, with internal and published modifications).

Blueprint Genetics
Classification: Uncertain significance. Last evaluated: 2024-09-18. Review status: criteria provided, single submitter. Criteria: ACMG Guidelines, 2015. Collection method: clinical testing. Allele origin: germline.

Department of Pathology and Laboratory Medicine, Sinai Health System
Classification: Uncertain significance for Autosomal recessive nonsyndromic hearing loss 28. Last evaluated: 2023-01-19. Review status: criteria provided, single submitter. Criteria: ACMG Guidelines, 2015. Collection method: research. Allele origin: germline.

Labcorp Genetics (formerly Invitae), Labcorp
Classification: Uncertain significance. Last evaluated: 2022-06-09. Review status: criteria provided, single submitter. Criteria: Invitae Variant Classification Sherloc (09022015). Collection method: clinical testing. Allele origin: germline.
Comment: This sequence change replaces proline, which is neutral and non-polar, with arginine, which is basic and polar, at codon 428 of the TRIOBP protein (p.Pro428Arg). This variant is present in population databases (rs372134073, gnomAD 0.2%). This variant has not been reported in the literature in individuals affected with TRIOBP-related conditions. ClinVar contains an entry for this variant (Variation ID: 285798). Algorithms developed to predict the effect of missense changes on protein structure and function are either unavailable or do not agree on the potential impact of this missense change (SIFT: "Deleterious"; PolyPhen-2: "Possibly Damaging"; Align-GVGD: "Class C0"). In summary, the available evidence is currently insufficient to determine the role of this variant in disease. Therefore, it has been classified as a Variant of Uncertain Significance.

GeneDx
Classification: Likely benign. Last evaluated: 2019-01-15. Review status: criteria provided, single submitter. Criteria: GeneDx Variant Classification Process June 2021. Collection method: clinical testing. Allele origin: germline. Affected: yes.

Fulgent Genetics
Classification: Uncertain significance for Autosomal recessive nonsyndromic hearing loss 28. Last evaluated: 2018-10-31. Review status: criteria provided, single submitter. Criteria: ACMG Guidelines, 2015. Collection method: clinical testing. Allele origin: unknown.

Eurofins Ntd Llc (ga)
Classification: Uncertain significance. Last evaluated: 2016-02-05. Review status: criteria provided, single submitter. Criteria: EGL Classification Definitions 2015. Collection method: clinical testing. Allele origin: germline. Observed: 1 variant allele, 1 heterozygote.